The following is an entry in ClinVar:

ClinVar aggregate classification (germline): Uncertain significance. Review status: criteria provided, multiple submitters, no conflicts (2 of 4 stars). 5 submissions from 5 submitters: Uncertain significance (2). 3 of the submissions do not count toward it. Last evaluated 2025-10-29.

Conditions:
Familial Interstitial Pneumonia.
Pulmonary fibrosis. Identifiers: MedGen C0034069, MONDO:0002771, HP:0002206.
Dyskeratosis congenita, autosomal recessive 6 (DKCB6). Identifiers: MedGen C4225356, MONDO:0014600, OMIM 616353.
Pulmonary fibrosis and/or bone marrow failure, Telomere-related, 4. Also called: PULMONARY FIBROSIS AND/OR BONE MARROW FAILURE SYNDROME, TELOMERE-RELATED, 4. Identifiers: Orphanet 2032, MedGen C4225347, MONDO:0014612, OMIM 616371.

Allele frequency attached by ClinVar (database versions not stated): gnomAD 0.00003 and 0.00004; TOPMed 0.00003.
gnomAD v4.1: 70 of 1,561,152 alleles (0.0045%); highest among the groups gnomAD compares: Non-Finnish European, 0.0056%; no homozygotes.

Submissions (5):

Labcorp Genetics (formerly Invitae), Labcorp
Classification: Uncertain significance for Dyskeratosis congenita, autosomal recessive 6; Pulmonary fibrosis and/or bone marrow failure, Telomere-related, 4. Last evaluated: 2025-10-29. Review status: criteria provided, single submitter. Criteria: Invitae Variant Classification Sherloc (09022015). Collection method: clinical testing. Allele origin: germline.
Comment: This sequence change replaces asparagine, which is neutral and polar, with histidine, which is basic and polar, at codon 7 of the PARN protein (p.Asn7His). This variant is present in population databases (no rsID available, gnomAD 0.007%). This missense change has been observed in individual(s) with dyskeratosis congenita and/or pulmonary fibrosis (PMID: 26482878, 28414520, 36028256). In at least one individual the data is consistent with being in trans (on the opposite chromosome) from a pathogenic variant. ClinVar contains an entry for this variant (Variation ID: 834008). An algorithm developed to predict the effect of missense changes on protein structure and function (PolyPhen-2) suggests that this variant is likely to be disruptive. In summary, the available evidence is currently insufficient to determine the role of this variant in disease. Therefore, it has been classified as a Variant of Uncertain Significance.

GeneDx
Classification: Uncertain significance. Last evaluated: 2019-07-09. Review status: criteria provided, single submitter. Criteria: GeneDx Variant Classification Process June 2021. Collection method: clinical testing. Allele origin: germline. Affected: yes.
Comment: Identified in the heterozygous state in a family with interstitial lung disease in published literature (Kropski et al., 2017); In silico analysis, which includes protein predictors and evolutionary conservation, supports a deleterious effect; In-silico splice predictor analyses are inconclusive as to whether the variant alters gene splicing. In the absence of RNA/functional studies, the actual effect of this sequence change is unknown.; This variant is associated with the following publications: (PMID: 26482878, 28414520)

Garcia Pulmonary Genetics Research Laboratory, Columbia University Irving Medical Center
Classification: Likely risk allele for Pulmonary fibrosis. Last evaluated: 2022-06-09. Review status: no assertion criteria provided. Collection method: research. Allele origin: germline. Affected: yes. Not counted in ClinVar's aggregate classification.
Comment: Leukocyte telomere length (by qPCR) less than 10th percentile age-adjusted

Genetic Services Laboratory, University of Chicago
Classification: Uncertain significance. Last evaluated: 2022-05-17. Review status: no assertion criteria provided. Collection method: clinical testing. Allele origin: germline. Affected: no. Not counted in ClinVar's aggregate classification.
Comment: DNA sequence analysis of the PARN gene demonstrated a sequence change, c.19A>C, in exon 1 that results in an amino acid change, p.Asn7His. This sequence change has been previously described in an individual with dyskeratosis congenita who also had a large deletion encompassing the PARN gene on the other allele (PMID: 26482878). It has also been described in the heterozygous state in an individual with pulmonary fibrosis (PMID: 28414520). This sequence change has been described in the gnomAD database in one individual which corresponds to a population frequency of 0.0031 % (dbSNP rs1371498176). The p.Asn7His change affects a poorly conserved amino acid residue located in a domain of the PARN protein that is known to be functional. The p.Asn7His substitution appears to be deleterious using several in-silico pathogenicity prediction tools (SIFT, PolyPhen2, REVEL). Due to insufficient evidences and the lack of functional studies, the clinical significance of the p.Asn7His change remains unknown at this time.

University of Washington Center for Mendelian Genomics, University of Washington
Classification: Uncertain significance for Pulmonary Fibrosis; Familial Interstitial Pneumonia. Review status: no assertion criteria provided. Collection method: research. Allele origin: inherited. Affected: yes. Not counted in ClinVar's aggregate classification.

Literature cited by the submitters: PubMed 26482878 (cited by Labcorp Genetics (formerly Invitae), Labcorp); PubMed 28414520 (cited by Labcorp Genetics (formerly Invitae), Labcorp and University of Washington Center for Mendelian Genomics, University of Washington); PubMed 36028256 (cited by Labcorp Genetics (formerly Invitae), Labcorp).

NM_002582.4(PARN):c.19A>C (p.Asn7His)

Gene: PARN (poly(A)-specific ribonuclease; minus strand). Cytogenetic location: 16p13.12.
Variant type: single nucleotide variant.
Coding change: c.19A>C on transcript NM_002582.4 (MANE Select); coding-DNA position 19, A replaced by C.
Protein change: p.Asn7His; replaces asparagine 7 with histidine.
Molecular consequence: missense variant. On other transcripts: intron variant (1).
Genome position (GRCh38, 1-based): chr16:14,630,107, T>G on the plus strand (A>C on the coding strand, the complement: PARN is on the minus strand). VCF-style: chr16-14630107-T-G. GRCh37 (hg19) VCF-style: chr16-14723964-T-G.
Other names: p.Asn7His; c.19A>C, p.Asn7His (NM_001242992.2); c.-165+83A>C (NM_001134477.3); short protein forms N7H.
Identifiers: ClinVar variation 834008 (VCV000834008.39), dbSNP rs1371498176, ClinGen allele CA394818950.